The following is an entry in ClinVar:

ClinVar aggregate classification (germline): Uncertain significance (1 of 4 stars; one submission).

Submission:

GeneDx
Classification: Uncertain significance. Last evaluated: 2025-02-21. Review status: criteria provided, single submitter. Criteria: GeneDx Variant Classification Process June 2021. Collection method: clinical testing. Allele origin: germline. Affected: yes.
Comment: Not observed at significant frequency in large population cohorts (gnomAD); In silico analysis indicates that this missense variant does not alter protein structure/function; Has not been previously published as pathogenic or benign to our knowledge; Reported using an alternate transcript of the gene

NM_000719.7(CACNA1C):c.5445-526G>A

Genes: CACNA1C (calcium voltage-gated channel subunit alpha1 C; plus strand), CACNA1C-AS1 (CACNA1C antisense RNA 1; minus strand). Cytogenetic location: 12p13.33.
Variant type: single nucleotide variant.
Coding change: c.5445-526G>A on transcript NM_000719.7 (MANE Select); 526 bases into the intron before coding-DNA position 5445, G replaced by A.
Molecular consequence: intron variant. On other transcripts: missense variant (3).
Genome position (GRCh38, 1-based): chr12:2,682,024, G>A. VCF-style: chr12-2682024-G-A. GRCh37 (hg19) VCF-style: chr12-2791190-G-A.
Other names: c.5519G>A, p.Cys1840Tyr (NM_001129830.3, NM_001167624.3); c.5663G>A, p.Cys1888Tyr (NM_199460.4); c.5445-526G>A (NM_001167623.2, NM_001129840.2, NM_001129842.2 and 2 more transcripts); c.5625-526G>A (NM_001167625.2); c.5589-526G>A (NM_001129827.2); c.5505-526G>A (NM_001129832.2); c.5529-526G>A (NM_001129831.2); c.5502-526G>A (NM_001129833.2, NM_001129834.2, NM_001129835.2); and 6 more; short protein forms C1840Y, C1888Y.
Identifiers: ClinVar variation 4076845 (VCV004076845.1).
Genomic context (GRCh38, chr12:2,682,024, plus strand): 5'-CGATGTGTGAGGATCTGGAGCTCAGGAGGGATTCAGGCTCAGCAGGGACTCAGGCTCACT[G>A]CCTTCTGCTCAGGAGAGCAAACCCCTCTAGGTGAGGCTTCCTCTCTGTGCCTTTACCCCA-3'